The following is an entry in ClinVar:

NM_004304.5(ALK):c.2677G>C (p.Gly893Arg)

Gene: ALK (ALK receptor tyrosine kinase; minus strand). Cytogenetic location: 2p23.2.
Variant type: single nucleotide variant.
Coding change: c.2677G>C on transcript NM_004304.5 (MANE Select); coding-DNA position 2677, G replaced by C.
Protein change: p.Gly893Arg; replaces glycine 893 with arginine.
Molecular consequence: missense variant.
Genome position (GRCh38, 1-based): chr2:29,229,022, C>G on the plus strand (G>C on the coding strand, the complement: ALK is on the minus strand). VCF-style: chr2-29229022-C-G. GRCh37 (hg19) VCF-style: chr2-29451888-C-G.
Other names: short protein forms G893R.
Identifiers: ClinVar variation 1507919 (VCV001507919.8), dbSNP rs764014697, ClinGen allele CA346469969.

ClinVar aggregate classification (germline): Uncertain significance (1 of 4 stars; one submission).

Conditions:
Neuroblastoma, susceptibility to, 3. Also called: ALK-Related Neuroblastic Tumor Susceptibility. Identifiers: Orphanet 635, MedGen C2751681, MONDO:0013083, OMIM 613014.

Submission:

Labcorp Genetics (formerly Invitae), Labcorp
Classification: Uncertain significance for Neuroblastoma, susceptibility to, 3. Last evaluated: 2021-02-05. Review status: criteria provided, single submitter. Criteria: Invitae Variant Classification Sherloc (09022015). Collection method: clinical testing. Allele origin: germline.
Comment: In summary, the available evidence is currently insufficient to determine the role of this variant in disease. Therefore, it has been classified as a Variant of Uncertain Significance. Algorithms developed to predict the effect of missense changes on protein structure and function (SIFT, PolyPhen-2, Align-GVGD) all suggest that this variant is likely to be disruptive, but these predictions have not been confirmed by published functional studies and their clinical significance is uncertain. This variant has not been reported in the literature in individuals with ALK-related conditions. This variant is not present in population databases (ExAC no frequency). This sequence change replaces glycine with arginine at codon 893 of the ALK protein (p.Gly893Arg). The glycine residue is highly conserved and there is a moderate physicochemical difference between glycine and arginine.